The following is an entry in ClinVar:

ClinVar aggregate classification (germline): Pathogenic (1 of 4 stars; one submission).

Submission:

GeneDx
Classification: Pathogenic. Last evaluated: 2026-03-23. Review status: criteria provided, single submitter. Criteria: GeneDx Variant Classification Process June 2021. Collection method: clinical testing. Allele origin: germline.
Comment: Not observed at significant frequency in large population cohorts (gnomAD); Canonical splice site variant predicted to result in a null allele in a gene for which loss of function is a known mechanism of disease; This variant is associated with the following publications: (PMID: 31133750, 35982159)

NM_001320.7(CSNK2B):c.176-2A>G

Gene: CSNK2B (casein kinase 2 beta; plus strand). Cytogenetic location: 6p21.33.
Variant type: single nucleotide variant.
Coding change: c.176-2A>G on transcript NM_001320.7 (MANE Select); the canonical splice acceptor site of the intron before coding-DNA position 176, A replaced by G.
Molecular consequence: splice acceptor variant.
Genome position (GRCh38, 1-based): chr6:31,668,537, A>G. VCF-style: chr6-31668537-A-G. GRCh37 (hg19) VCF-style: chr6-31636314-A-G.
Other names: c.176-2A>G (NM_001282385.2).
Identifiers: ClinVar variation 5016795 (VCV005016795.1).